The following is an entry in ClinVar:

ClinVar aggregate classification (germline): Uncertain significance (1 of 4 stars; one submission).

Allele frequency attached by ClinVar (database versions not stated): gnomAD exomes 0.00002; ExAC 0.00006; gnomAD 0.00007; TOPMed 0.00007; 1000 Genomes Project 0.00020; 1000 Genomes Project 30x 0.00031.
gnomAD v4.1: 41 of 1,611,798 alleles (0.0025%); highest among the groups gnomAD compares: East Asian, 0.031%; no homozygotes.

Submission:

Labcorp Genetics (formerly Invitae), Labcorp
Classification: Uncertain significance. Last evaluated: 2022-10-12. Review status: criteria provided, single submitter. Criteria: Invitae Variant Classification Sherloc (09022015). Collection method: clinical testing. Allele origin: germline.
Comment: This sequence change replaces arginine, which is basic and polar, with tryptophan, which is neutral and slightly polar, at codon 901 of the MYO5B protein (p.Arg901Trp). This variant is present in population databases (rs530225339, gnomAD 0.05%). This variant has not been reported in the literature in individuals affected with MYO5B-related conditions. Algorithms developed to predict the effect of missense changes on protein structure and function (SIFT, PolyPhen-2, Align-GVGD) all suggest that this variant is likely to be disruptive. In summary, the available evidence is currently insufficient to determine the role of this variant in disease. Therefore, it has been classified as a Variant of Uncertain Significance.

NM_001080467.3(MYO5B):c.2701C>T (p.Arg901Trp)

Gene: MYO5B (myosin VB; minus strand). Cytogenetic location: 18q21.1.
Variant type: single nucleotide variant.
Coding change: c.2701C>T on transcript NM_001080467.3 (MANE Select); coding-DNA position 2701, C replaced by T.
Protein change: p.Arg901Trp; replaces arginine 901 with tryptophan.
Molecular consequence: missense variant.
Genome position (GRCh38, 1-based): chr18:49,902,704, G>A on the plus strand (C>T on the coding strand, the complement: MYO5B is on the minus strand). VCF-style: chr18-49902704-G-A. GRCh37 (hg19) VCF-style: chr18-47429074-G-A.
Other names: short protein forms R901W.
Identifiers: ClinVar variation 2171969 (VCV002171969.1), dbSNP rs530225339, ClinGen allele CA8960971.